The following is an entry in ClinVar:

NM_001278716.2(FBXL4):c.-16C>T

Gene: FBXL4 (F-box and leucine rich repeat protein 4; minus strand). Cytogenetic location: 6q16.2.
Variant type: single nucleotide variant.
Coding change: c.-16C>T on transcript NM_001278716.2 (MANE Select); 16 bases upstream of the start codon, C replaced by T.
Molecular consequence: 5 prime UTR variant. On other transcripts: non-coding transcript variant (2).
Genome position (GRCh38, 1-based): chr6:98,927,004, G>A on the plus strand (C>T on the coding strand, the complement: FBXL4 is on the minus strand). VCF-style: chr6-98927004-G-A. GRCh37 (hg19) VCF-style: chr6-99374880-G-A.
Other names: c.-16C>T (NM_012160.5).
Identifiers: ClinVar variation 437506 (VCV000437506.1), dbSNP rs752104950, ClinGen allele CA3933774.

ClinVar aggregate classification (germline): Uncertain significance (1 of 4 stars; one submission).

Conditions:
Mitochondrial DNA depletion syndrome 13. Also called: FBXL4-Related Encephalomyopathic Mitochondrial DNA Depletion Syndrome; Mitochondrial DNA depletion syndrome 13 (encephalomyopathic type). Identifiers: Orphanet 369897, MedGen C3809592, MONDO:0014198, OMIM 615471.

Allele frequency attached by ClinVar (database versions not stated): gnomAD exomes 0.00002; ExAC 0.00005.
gnomAD v4.1: 8 of 1,607,648 alleles (0.0005%); highest among the groups gnomAD compares: South Asian, 0.0088%; no homozygotes.

Submission:

Wong Mito Lab, Molecular and Human Genetics, Baylor College of Medicine
Classification: Uncertain significance for Mitochondrial DNA depletion syndrome 13. Last evaluated: 2017-08-10. Review status: criteria provided, single submitter. Criteria: ACMG Guidelines, 2015. Collection method: clinical testing. Allele origin: germline.
Comment: The NM_012160.4:c.-16C>T (NP_036292.2:p.=) [GRCH38: NC_000006.12:g.98927004G>A] variant in FBXL4 gene is interpretated to be a Uncertain Significance - Insufficient Evidence based on ACMG guidelines (PMID: 25741868). This variant meets one or more of the following evidence codes reported in the ACMG-guideline. PM2:This variant is absent in key population databases. PP3:Computational evidence/predictors indicate the variant has deleterious effect on FBXL4 structure, function, or protein-protein interaction. Based on this evidence code ClinGen Pathogenicity Calculator (PMID:28081714) suggested that the variant is Uncertain Significance - Insufficient Evidence.